The following is an entry in ClinVar:

ClinVar aggregate classification (germline): Uncertain significance (1 of 4 stars; one submission).

Conditions:
Hereditary sensory neuropathy-deafness-dementia syndrome. Also called: NEUROPATHY, HEREDITARY SENSORY, WITH HEARING LOSS AND DEMENTIA; Hereditary Sensory and Autonomic Neuropathy Type 1E (HSAN1E); HSN IE; Hereditary sensory neuropathy type IE. Identifiers: Orphanet 456318, MedGen C3279885, MONDO:0013584, OMIM 614116.

Submission:

Labcorp Genetics (formerly Invitae), Labcorp
Classification: Uncertain significance for Hereditary sensory neuropathy-deafness-dementia syndrome. Last evaluated: 2026-01-26. Review status: criteria provided, single submitter. Criteria: Invitae Variant Classification Sherloc (09022015). Collection method: clinical testing. Allele origin: germline.
Comment: This sequence change replaces serine, which is neutral and polar, with cysteine, which is neutral and slightly polar, at codon 856 of the DNMT1 protein (p.Ser856Cys). This variant is not present in population databases (gnomAD no frequency). This variant has not been reported in the literature in individuals affected with DNMT1-related conditions. ClinVar contains an entry for this variant (Variation ID: 2807034). Invitae Evidence Modeling of protein sequence and biophysical properties (such as structural, functional, and spatial information, amino acid conservation, physicochemical variation, residue mobility, and thermodynamic stability) indicates that this missense variant is not expected to disrupt DNMT1 protein function with a negative predictive value of 80%. In summary, the available evidence is currently insufficient to determine the role of this variant in disease. Therefore, it has been classified as a Variant of Uncertain Significance.

NM_001130823.3(DNMT1):c.2567C>G (p.Ser856Cys)

Gene: DNMT1 (DNA methyltransferase 1; minus strand). Cytogenetic location: 19p13.2.
Variant type: single nucleotide variant.
Coding change: c.2567C>G on transcript NM_001130823.3 (MANE Select); coding-DNA position 2567, C replaced by G.
Protein change: p.Ser856Cys; replaces serine 856 with cysteine.
Molecular consequence: missense variant.
Genome position (GRCh38, 1-based): chr19:10,149,472, G>C on the plus strand (C>G on the coding strand, the complement: DNMT1 is on the minus strand). VCF-style: chr19-10149472-G-C. GRCh37 (hg19) VCF-style: chr19-10260148-G-C.
Other names: c.2519C>G, p.Ser840Cys (NM_001318730.2, NM_001379.4); c.2204C>G, p.Ser735Cys (NM_001318731.2); short protein forms S735C, S856C, S840C.
Identifiers: ClinVar variation 2807034 (VCV002807034.3), dbSNP rs868584117, ClinGen allele CA305171111.